The following is an entry in ClinVar:

NM_004329.3(BMPR1A):c.830T>A (p.Ile277Asn)

Gene: BMPR1A (bone morphogenetic protein receptor type 1A; plus strand). Cytogenetic location: 10q23.2.
Variant type: single nucleotide variant.
Coding change: c.830T>A on transcript NM_004329.3 (MANE Select); coding-DNA position 830, T replaced by A.
Protein change: p.Ile277Asn; replaces isoleucine 277 with asparagine.
Molecular consequence: missense variant.
Genome position (GRCh38, 1-based): chr10:86,917,288, T>A. VCF-style: chr10-86917288-T-A. GRCh37 (hg19) VCF-style: chr10-88677045-T-A.
Other names: short protein forms I277N.
Identifiers: ClinVar variation 1465371 (VCV001465371.6), dbSNP rs2133577296, ClinGen allele CA377458594.
Genomic context (GRCh38, chr10:86,917,288, plus strand): 5'-AAGTGGCGGTGAAAGTATTCTTTACCACTGAAGAAGCCAGCTGGTTTCGAGAAACAGAAA[T>A]CTACCAAACTGTGCTAATGCGCCATGAAAACATACTTGGTGGGTACACACTGATTCAGTC-3'
Protein context (NP_004320.2, residues 267-287): EEASWFRETE[Ile277Asn]YQTVLMRHEN

ClinVar aggregate classification (germline): Uncertain significance (1 of 4 stars; one submission).

Conditions:
Juvenile polyposis syndrome (JPS). Identifiers: Orphanet 2929, MedGen C0345893, MONDO:0017380, OMIM 174900.

Submission:

Labcorp Genetics (formerly Invitae), Labcorp
Classification: Uncertain significance for Juvenile polyposis syndrome. Last evaluated: 2021-10-19. Review status: criteria provided, single submitter. Criteria: Invitae Variant Classification Sherloc (09022015). Collection method: clinical testing. Allele origin: germline.
Comment: This variant is not present in population databases (ExAC no frequency). This variant has not been reported in the literature in individuals affected with BMPR1A-related conditions. Advanced modeling of protein sequence and biophysical properties (such as structural, functional, and spatial information, amino acid conservation, physicochemical variation, residue mobility, and thermodynamic stability) performed at Invitae indicates that this missense variant is expected to disrupt BMPR1A protein function. In summary, the available evidence is currently insufficient to determine the role of this variant in disease. Therefore, it has been classified as a Variant of Uncertain Significance. This sequence change replaces isoleucine with asparagine at codon 277 of the BMPR1A protein (p.Ile277Asn). The isoleucine residue is highly conserved and there is a large physicochemical difference between isoleucine and asparagine.